The following is an entry in ClinVar:

ClinVar aggregate classification (germline): Uncertain significance (1 of 4 stars; one submission).

Submission:

Labcorp Genetics (formerly Invitae), Labcorp
Classification: Uncertain significance. Last evaluated: 2023-08-04. Review status: criteria provided, single submitter. Criteria: Invitae Variant Classification Sherloc (09022015). Collection method: clinical testing. Allele origin: germline.
Comment: This variant has not been reported in the literature in individuals affected with NONO-related conditions. This variant is not present in population databases (gnomAD no frequency). This sequence change replaces arginine, which is basic and polar, with cysteine, which is neutral and slightly polar, at codon 469 of the NONO protein (p.Arg469Cys). In summary, the available evidence is currently insufficient to determine the role of this variant in disease. Therefore, it has been classified as a Variant of Uncertain Significance. An algorithm developed to predict the effect of missense changes on protein structure and function (PolyPhen-2) suggests that this variant is likely to be disruptive.

NM_007363.5(NONO):c.1405C>T (p.Arg469Cys)

Gene: NONO (non-POU domain containing octamer binding; plus strand). Cytogenetic location: Xq13.1.
Variant type: single nucleotide variant.
Coding change: c.1405C>T on transcript NM_007363.5 (MANE Select); coding-DNA position 1405, C replaced by T.
Protein change: p.Arg469Cys; replaces arginine 469 with cysteine.
Molecular consequence: missense variant.
Genome position (GRCh38, 1-based): chrX:71,300,065, C>T. VCF-style: chrX-71300065-C-T. GRCh37 (hg19) VCF-style: chrX-70519915-C-T.
Other names: c.1405C>T, p.Arg469Cys (NM_001145409.2, NM_001145408.2); c.1138C>T, p.Arg380Cys (NM_001145410.2); short protein forms R469C, R380C.
Identifiers: ClinVar variation 2832251 (VCV002832251.3), dbSNP rs960370567, ClinGen allele CA413550707.